The following is an entry in ClinVar:

NC_000023.11:g.(?_32216906)_(32217073_?)del

Gene: DMD (dystrophin; minus strand). Cytogenetic location: Xp21.1.
Variant type: Deletion.
Identifiers: ClinVar variation 649073 (VCV000649073.2).

ClinVar aggregate classification (germline): Pathogenic (1 of 4 stars; one submission).

Conditions:
Duchenne muscular dystrophy (DMD). Also called: MUSCULAR DYSTROPHY, PSEUDOHYPERTROPHIC PROGRESSIVE, DUCHENNE TYPE; Duchenne Muscular Dystrophy (DMD). Identifiers: Orphanet 98896, MedGen C0013264, MONDO:0010679, OMIM 310200.

Submission:

Labcorp Genetics (formerly Invitae), Labcorp
Classification: Pathogenic for Duchenne muscular dystrophy. Last evaluated: 2019-11-18. Review status: criteria provided, single submitter. Criteria: Invitae Variant Classification Sherloc (09022015). Collection method: clinical testing. Allele origin: germline.
Comment: This variant is an out-of-frame deletion of the genomic region encompassing exon 44 of the DMD gene. This is expected to create a premature translational stop signal and result in an absent or disrupted protein product. This variant has been reported to be de novo in an individual affected with Duchenne muscular dystrophy (PMID: 23299919). This variant has also been reported in several individuals affected with Duchenne and Becker muscular dystrophies (PMID: 18752307, 25244321, 25434822, 19449031, 1363782, 23299919, 15723292, 24217213, 9800909, 22894145). Loss-of-function variants in DMD are known to be pathogenic (PMID: 16770791, 25007885). For these reasons, this variant has been classified as Pathogenic.

Literature cited by the submitters: PubMed 1363782; PubMed 18752307; PubMed 15723292; PubMed 19449031; PubMed 23299919; PubMed 25434822; PubMed 22894145; PubMed 9800909; PubMed 24217213; PubMed 25244321.